The following is an entry in ClinVar:

ClinVar aggregate classification (germline): Likely benign (0 of 4 stars; one submission).

Conditions:
CACNA2D3-related disorder. Also called: CACNA2D3-related condition.

Allele frequency attached by ClinVar (database versions not stated): gnomAD 0.00005; gnomAD exomes 0.00014; TOPMed 0.00015; 1000 Genomes Project 30x 0.00016; ExAC 0.00016.
gnomAD v4.1: 91 of 1,613,590 alleles (0.0056%); highest among the groups gnomAD compares: Admixed American, 0.15%; no homozygotes.

Submission:

PreventionGenetics, part of Exact Sciences
Classification: Likely benign for CACNA2D3-related condition. Last evaluated: 2019-05-01. Review status: no assertion criteria provided. Collection method: clinical testing. Allele origin: germline.
Comment: This variant is classified as likely benign based on ACMG/AMP sequence variant interpretation guidelines (Richards et al. 2015 PMID: 25741868, with internal and published modifications).

NM_018398.3(CACNA2D3):c.2820-4T>C

Gene: CACNA2D3 (calcium voltage-gated channel auxiliary subunit alpha2delta 3; plus strand). Cytogenetic location: 3p14.3.
Variant type: single nucleotide variant.
Coding change: c.2820-4T>C on transcript NM_018398.3 (MANE Select); 4 bases into the intron before coding-DNA position 2820, T replaced by C.
Molecular consequence: intron variant.
Genome position (GRCh38, 1-based): chr3:55,009,384, T>C. VCF-style: chr3-55009384-T-C. GRCh37 (hg19) VCF-style: chr3-55043411-T-C.
Identifiers: ClinVar variation 3037908 (VCV003037908.2), dbSNP rs539006808, ClinGen allele CA2458715.